The following is an entry in ClinVar:

ClinVar aggregate classification (germline): Benign/Likely benign. Review status: criteria provided, multiple submitters, no conflicts (2 of 4 stars). 5 submissions from 5 submitters: Benign (1); Likely benign (2). 2 of the submissions do not count toward it. Last evaluated 2026-02-01.

Conditions:
Multiple gastrointestinal atresias. Also called: Multiple intestinal atresia; FAMILIAL INTESTINAL POLYATRESIA SYNDROME. Identifiers: Orphanet 2300, MedGen C0220744, MONDO:0009465.

Allele frequency attached by ClinVar (database versions not stated): 1000 Genomes Project 30x 0.00156; 1000 Genomes Project 0.00160; gnomAD exomes 0.00164 and 0.00205; ExAC 0.00167; ESP Exome Variant Server 0.00177; gnomAD 0.00177; TOPMed 0.00182.
gnomAD v4.1: 3,273 of 1,613,852 alleles (0.2%); highest among the groups gnomAD compares: Middle Eastern, 0.58%; 10 homozygotes.

Submissions (5):

Labcorp Genetics (formerly Invitae), Labcorp
Classification: Benign for Multiple gastrointestinal atresias. Last evaluated: 2026-02-01. Review status: criteria provided, single submitter. Criteria: Invitae Variant Classification Sherloc (09022015). Collection method: clinical testing. Allele origin: germline.

CeGaT Center for Human Genetics Tuebingen
Classification: Likely benign. Last evaluated: 2025-01-01. Review status: criteria provided, single submitter. Criteria: CeGaT Center For Human Genetics Tuebingen Variant Classification Criteria Version 2. Collection method: clinical testing. Allele origin: germline. Affected: yes. Observed: 3 variant alleles.
Comment: TTC7A: BP4, BP7

Blueprint Genetics
Classification: Likely benign. Last evaluated: 2024-11-23. Review status: criteria provided, single submitter. Criteria: ACMG Guidelines, 2015. Collection method: clinical testing. Allele origin: germline.

Clinical Genetics DNA and cytogenetics Diagnostics Lab, Erasmus MC, Erasmus Medical Center
Classification: Likely benign. Review status: no assertion criteria provided. Collection method: clinical testing. Allele origin: germline. Affected: yes. Study: VKGL Data-share Consensus. Not counted in ClinVar's aggregate classification.

Genome Diagnostics Laboratory, University Medical Center Utrecht
Classification: Likely benign. Review status: no assertion criteria provided. Collection method: clinical testing. Allele origin: germline. Affected: yes. Study: VKGL Data-share Consensus. Not counted in ClinVar's aggregate classification.

NM_020458.4(TTC7A):c.2211G>A (p.Ala737=)

Gene: TTC7A (tetratricopeptide repeat domain 7A; plus strand). Cytogenetic location: 2p21.
Variant type: single nucleotide variant.
Coding change: c.2211G>A on transcript NM_020458.4 (MANE Select); coding-DNA position 2211, G replaced by A.
Protein change: p.Ala737=; no amino-acid change (alanine 737 retained).
Molecular consequence: synonymous variant.
Genome position (GRCh38, 1-based): chr2:47,060,827, G>A. VCF-style: chr2-47060827-G-A. GRCh37 (hg19) VCF-style: chr2-47287966-G-A.
Other names: c.2211G>A, p.Ala737= (LRG_1323t1); c.2283G>A, p.Ala761= (NM_001288951.2); c.2109G>A, p.Ala703= (NM_001288953.2); c.1149G>A, p.Ala383= (NM_001288955.2).
Identifiers: ClinVar variation 528472 (VCV000528472.47), dbSNP rs142959785, ClinGen allele CA1648065.